The following is an entry in ClinVar:

NM_015973.5(GAL):c.199C>T (p.Arg67Trp)

Gene: GAL (galanin and GMAP prepropeptide; plus strand). Cytogenetic location: 11q13.2.
Variant type: single nucleotide variant.
Coding change: c.199C>T on transcript NM_015973.5 (MANE Select); coding-DNA position 199, C replaced by T.
Protein change: p.Arg67Trp; replaces arginine 67 with tryptophan.
Molecular consequence: missense variant.
Genome position (GRCh38, 1-based): chr11:68,688,076, C>T. VCF-style: chr11-68688076-C-T. GRCh37 (hg19) VCF-style: chr11-68455544-C-T.
Other names: short protein forms R67W.
Identifiers: ClinVar variation 542524 (VCV000542524.13), dbSNP rs200075890, ClinGen allele CA6151479.

ClinVar aggregate classification (germline): Uncertain significance. Review status: criteria provided, multiple submitters, no conflicts (2 of 4 stars). 2 submissions from 2 submitters: Uncertain significance (2). Last evaluated 2024-05-06.

Conditions:
Familial temporal lobe epilepsy 8. Identifiers: Orphanet 101046, MedGen C4225318, MONDO:0014650, OMIM 616461.

Allele frequency attached by ClinVar (database versions not stated): ExAC 0.00012; gnomAD 0.00011 and 0.00013; TOPMed 0.00018; 1000 Genomes Project 0.00020; 1000 Genomes Project 30x 0.00031; gnomAD exomes 0.00006 and 0.00019.

Submissions (2):

Labcorp Genetics (formerly Invitae), Labcorp
Classification: Uncertain significance for Familial temporal lobe epilepsy 8. Last evaluated: 2024-05-06. Review status: criteria provided, single submitter. Criteria: Invitae Variant Classification Sherloc (09022015). Collection method: clinical testing. Allele origin: germline.
Comment: This sequence change replaces arginine, which is basic and polar, with tryptophan, which is neutral and slightly polar, at codon 67 of the GAL protein (p.Arg67Trp). The frequency data for this variant in the population databases is considered unreliable, as metrics indicate poor data quality at this position in the gnomAD database. This variant has not been reported in the literature in individuals affected with GAL-related conditions. ClinVar contains an entry for this variant (Variation ID: 542524). An algorithm developed to predict the effect of missense changes on protein structure and function (PolyPhen-2) suggests that this variant is likely to be tolerated. In summary, the available evidence is currently insufficient to determine the role of this variant in disease. Therefore, it has been classified as a Variant of Uncertain Significance.

Ambry Genetics
Classification: Uncertain significance. Last evaluated: 2021-08-02. Review status: criteria provided, single submitter. Criteria: Ambry Variant Classification Scheme 2023. Collection method: clinical testing. Allele origin: germline.